The following is an entry in ClinVar:

ClinVar aggregate classification (germline): Uncertain significance (1 of 4 stars; one submission).

Conditions:
Inborn genetic diseases. Identifiers: MedGen C0950123, MeSH D030342.

Allele frequency attached by ClinVar (database versions not stated): TOPMed below 0.00001; ExAC 0.00001; gnomAD exomes 0.00002.
gnomAD v4.1: 27 of 1,613,198 alleles (0.0017%); highest among the groups gnomAD compares: Non-Finnish European, 0.0022%; no homozygotes.

Submission:

Ambry Genetics
Classification: Uncertain significance for Inborn genetic diseases. Last evaluated: 2023-12-04. Review status: criteria provided, single submitter. Criteria: Ambry Variant Classification Scheme 2023. Collection method: clinical testing. Allele origin: germline.
Comment: The p.N618S variant (also known as c.1853A>G), located in coding exon 16 of the LRRK2 gene, results from an A to G substitution at nucleotide position 1853. The asparagine at codon 618 is replaced by serine, an amino acid with highly similar properties. This amino acid position is conserved. In addition, this alteration is predicted to be tolerated by in silico analysis. Since supporting evidence is limited at this time, the clinical significance of this alteration remains unclear.

NM_198578.4(LRRK2):c.1853A>G (p.Asn618Ser)

Gene: LRRK2 (leucine rich repeat kinase 2; plus strand). Cytogenetic location: 12q12.
Variant type: single nucleotide variant.
Coding change: c.1853A>G on transcript NM_198578.4 (MANE Select); coding-DNA position 1853, A replaced by G.
Protein change: p.Asn618Ser; replaces asparagine 618 with serine.
Molecular consequence: missense variant.
Genome position (GRCh38, 1-based): chr12:40,274,905, A>G. VCF-style: chr12-40274905-A-G. GRCh37 (hg19) VCF-style: chr12-40668707-A-G.
Other names: short protein forms N618S.
Identifiers: ClinVar variation 1781361 (VCV001781361.2), dbSNP rs753540084, ClinGen allele CA6513477.